The following is an entry in ClinVar:

NM_025099.6(CTC1):c.3301C>A (p.Pro1101Thr)

Gene: CTC1 (CST telomere replication complex component 1; minus strand). Cytogenetic location: 17p13.1.
Variant type: single nucleotide variant.
Coding change: c.3301C>A on transcript NM_025099.6 (MANE Select); coding-DNA position 3301, C replaced by A.
Protein change: p.Pro1101Thr; replaces proline 1101 with threonine.
Molecular consequence: missense variant. On other transcripts: non-coding transcript variant (1).
Genome position (GRCh38, 1-based): chr17:8,228,813, G>T on the plus strand (C>A on the coding strand, the complement: CTC1 is on the minus strand). VCF-style: chr17-8228813-G-T. GRCh37 (hg19) VCF-style: chr17-8132131-G-T.
Other names: short protein forms P1101T.
Identifiers: ClinVar variation 651313 (VCV000651313.7), dbSNP rs1597373346, ClinGen allele CA397969283.

ClinVar aggregate classification (germline): Uncertain significance (1 of 4 stars; one submission).

Conditions:
Dyskeratosis congenita. Identifiers: Orphanet 1775, MedGen C0265965, MONDO:0015780.

Submission:

Labcorp Genetics (formerly Invitae), Labcorp
Classification: Uncertain significance for Dyskeratosis congenita. Last evaluated: 2018-09-06. Review status: criteria provided, single submitter. Criteria: Invitae Variant Classification Sherloc (09022015). Collection method: clinical testing. Allele origin: germline.
Comment: In summary, the available evidence is currently insufficient to determine the role of this variant in disease. Therefore, it has been classified as a Variant of Uncertain Significance. Algorithms developed to predict the effect of missense changes on protein structure and function are either unavailable or do not agree on the potential impact of this missense change (SIFT: "Tolerated"; PolyPhen-2: "Probably Damaging"; Align-GVGD: "Class C0"). This variant has not been reported in the literature in individuals with CTC1-related disease. This variant is not present in population databases (ExAC no frequency). This sequence change replaces proline with threonine at codon 1101 of the CTC1 protein (p.Pro1101Thr). The proline residue is highly conserved and there is a small physicochemical difference between proline and threonine.